The following is an entry in ClinVar:

ClinVar aggregate classification (germline): Uncertain significance. Review status: criteria provided, multiple submitters, no conflicts (2 of 4 stars). 2 submissions from 2 submitters: Uncertain significance (2). Last evaluated 2025-05-17.

Allele frequency attached by ClinVar (database versions not stated): gnomAD 0.00001; ESP Exome Variant Server 0.00008; ExAC 0.00001; gnomAD exomes 0.00001; TOPMed 0.00003.

Submissions (2):

Ambry Genetics
Classification: Uncertain significance. Last evaluated: 2025-05-17. Review status: criteria provided, single submitter. Criteria: Ambry Variant Classification Scheme 2023. Collection method: clinical testing. Allele origin: germline.

Labcorp Genetics (formerly Invitae), Labcorp
Classification: Uncertain significance. Last evaluated: 2022-05-21. Review status: criteria provided, single submitter. Criteria: Invitae Variant Classification Sherloc (09022015). Collection method: clinical testing. Allele origin: germline.
Comment: This variant is present in population databases (rs149880241, gnomAD 0.002%). This sequence change replaces proline, which is neutral and non-polar, with leucine, which is neutral and non-polar, at codon 671 of the FCHO1 protein (p.Pro671Leu). This variant has not been reported in the literature in individuals affected with FCHO1-related conditions. In summary, the available evidence is currently insufficient to determine the role of this variant in disease. Therefore, it has been classified as a Variant of Uncertain Significance. Algorithms developed to predict the effect of missense changes on protein structure and function (SIFT, PolyPhen-2, Align-GVGD) all suggest that this variant is likely to be tolerated.

NM_015122.3(FCHO1):c.2012C>T (p.Pro671Leu)

Gene: FCHO1 (FCH and mu domain containing endocytic adaptor 1; plus strand). Cytogenetic location: 19p13.11.
Variant type: single nucleotide variant.
Coding change: c.2012C>T on transcript NM_015122.3 (MANE Select); coding-DNA position 2012, C replaced by T.
Protein change: p.Pro671Leu; replaces proline 671 with leucine.
Molecular consequence: missense variant. On other transcripts: non-coding transcript variant (36).
Genome position (GRCh38, 1-based): chr19:17,783,091, C>T. VCF-style: chr19-17783091-C-T. GRCh37 (hg19) VCF-style: chr19-17893900-C-T.
Other names: c.2012C>T, p.Pro671Leu (NM_001161357.2, NM_001161358.2, NM_001384370.1 and 13 more transcripts); c.1862C>T, p.Pro621Leu (NM_001161359.2, NM_001384384.1, NM_001384385.1 and 1 more transcripts); c.1973C>T, p.Pro658Leu (NM_001384388.1, NM_001384389.1, NM_001384405.1); c.1937C>T, p.Pro646Leu (NM_001384390.1); c.1895C>T, p.Pro632Leu (NM_001384392.1, NM_001384393.1, NM_001384394.1 and 1 more transcripts); c.1736C>T, p.Pro579Leu (NM_001384396.1, NM_001384397.1, NM_001384398.1 and 5 more transcripts); c.1691C>T, p.Pro564Leu (NM_001384403.1); c.1586C>T, p.Pro529Leu (NM_001384406.1); and 2 more; short protein forms P646L, P671L, P621L, P481L, P632L, P658L, P529L, P564L.
Identifiers: ClinVar variation 1896287 (VCV001896287.4), dbSNP rs149880241, ClinGen allele CA9300718.